The following is an entry in ClinVar:

NM_000334.4(SCN4A):c.*1427T>C

Genes: GH-LCR (growth hormone locus control region; plus strand), SCN4A (sodium voltage-gated channel alpha subunit 4; minus strand). Cytogenetic location: 17q23.3.
Variant type: single nucleotide variant.
Coding change: c.*1427T>C on transcript NM_000334.4 (MANE Select); 1427 bases downstream of the stop codon, T replaced by C.
Molecular consequence: 3 prime UTR variant.
Genome position (GRCh38, 1-based): chr17:63,939,344, A>G on the plus strand (T>C on the coding strand, the complement: SCN4A is on the minus strand). VCF-style: chr17-63939344-A-G. GRCh37 (hg19) VCF-style: chr17-62016704-A-G.
Identifiers: ClinVar variation 324478 (VCV000324478.6), dbSNP rs2727278, ClinGen allele CA10640193.

ClinVar aggregate classification (germline): Benign. Review status: criteria provided, multiple submitters, no conflicts (2 of 4 stars). 6 submissions from 2 submitters: Benign (6). Last evaluated 2021-05-16.

Conditions:
Congenital myasthenic syndrome 16. Identifiers: Orphanet 590, MedGen C3280112, MONDO:0013620, OMIM 614198.
Paramyotonia congenita of Von Eulenburg. Also called: Paramyotonia Congenita; PARALYSIS PERIODICA PARAMYOTONICA; Eulenburg disease; Myotonia congenita intermittens; Von Eulenburg paramyotonia congenita. Identifiers: Orphanet 684, MedGen C0221055, MONDO:0008195, OMIM 168300. Disease mechanism: loss of function.
Hyperkalemic periodic paralysis. Also called: Familial hyperkalemic periodic paralysis; Gamstorp disease. Identifiers: Orphanet 682, MedGen C0238357, MONDO:0008224, OMIM 170500, HP:0007215.
Hypokalemic periodic paralysis, type 2 (HOKPP2). Identifiers: Orphanet 681, MedGen C2750061, MONDO:0013234, OMIM 613345.
Potassium-aggravated myotonia. Also called: Myotonia congenita, atypical, acetazolamide-responsive; MYOTONIA CONGENITA, ACETAZOLAMIDE-RESPONSIVE; MYOTONIA CONGENITA, ATYPICAL; SODIUM CHANNEL MUSCLE DISEASE. Identifiers: Orphanet 612, Orphanet 99734, Orphanet 99735, Orphanet 99736, MedGen C2931826, MONDO:0018959, OMIM 608390.

Allele frequency attached by ClinVar (database versions not stated): gnomAD 0.16950 and 0.18159; 1000 Genomes Project 0.19089; TOPMed 0.19125; 1000 Genomes Project 30x 0.20362.

Submissions (6):

GeneDx
Classification: Benign. Last evaluated: 2021-05-16. Review status: criteria provided, single submitter. Criteria: GeneDx Variant Classification Process June 2021. Collection method: clinical testing. Allele origin: germline. Affected: yes.

Illumina Laboratory Services, Illumina
Classification: Benign for Congenital myasthenic syndrome 16. Last evaluated: 2018-01-13. Review status: criteria provided, single submitter. Criteria: ICSL Variant Classification Criteria 13 December 2019. Collection method: clinical testing. Allele origin: germline.
Comment: This variant was observed in the ICSL laboratory as part of a predisposition screen in an ostensibly healthy population. It had not been previously curated by ICSL or reported in the Human Gene Mutation Database (HGMD: prior to June 1st, 2018), and was therefore a candidate for classification through an automated scoring system. Utilizing variant allele frequency, disease prevalence and penetrance estimates, and inheritance mode, an automated score was calculated to assess if this variant is too frequent to cause the disease. Based on the score and internal cut-off values, a variant classified as benign is not then subjected to further curation. The score for this variant resulted in a classification of benign for this disease.

Illumina Laboratory Services, Illumina
Classification: Benign for Potassium-aggravated myotonia. Last evaluated: 2018-01-13. Review status: criteria provided, single submitter. Criteria: ICSL Variant Classification Criteria 13 December 2019. Collection method: clinical testing. Allele origin: germline.
Comment: the same text as in the submission from Illumina Laboratory Services, Illumina above.

Illumina Laboratory Services, Illumina
Classification: Benign for Hyperkalemic periodic paralysis. Last evaluated: 2018-01-13. Review status: criteria provided, single submitter. Criteria: ICSL Variant Classification Criteria 13 December 2019. Collection method: clinical testing. Allele origin: germline.
Comment: the same text as in the submission from Illumina Laboratory Services, Illumina above.

Illumina Laboratory Services, Illumina
Classification: Benign for Hypokalemic periodic paralysis, type 2. Last evaluated: 2018-01-13. Review status: criteria provided, single submitter. Criteria: ICSL Variant Classification Criteria 13 December 2019. Collection method: clinical testing. Allele origin: germline.
Comment: the same text as in the submission from Illumina Laboratory Services, Illumina above.

Illumina Laboratory Services, Illumina
Classification: Benign for Paramyotonia congenita of Von Eulenburg. Last evaluated: 2018-01-13. Review status: criteria provided, single submitter. Criteria: ICSL Variant Classification Criteria 13 December 2019. Collection method: clinical testing. Allele origin: germline.
Comment: the same text as in the submission from Illumina Laboratory Services, Illumina above.